The following is an entry in ClinVar:

ClinVar aggregate classification (germline): Uncertain significance. Review status: criteria provided, multiple submitters, no conflicts (2 of 4 stars). 4 submissions from 4 submitters: Uncertain significance (4). Last evaluated 2023-09-25.

Conditions:
Inborn genetic diseases. Identifiers: MedGen C0950123, MeSH D030342.
Charcot-Marie-Tooth disease dominant intermediate B (CMTDIB). Also called: CHARCOT-MARIE-TOOTH NEUROPATHY, DOMINANT INTERMEDIATE B; Charcot-Marie-Tooth disease dominant intermediate 1; CMT DI1; Charcot-Marie-Tooth disease dominant intermediate I. Identifiers: Orphanet 100044, Orphanet 228179, MedGen C1847902, MONDO:0011674, OMIM 606482.

Allele frequency attached by ClinVar (database versions not stated): TOPMed 0.00002; ESP Exome Variant Server 0.00015.
gnomAD v4.1: 22 of 1,613,846 alleles (0.0014%); highest among the groups gnomAD compares: Middle Eastern, 0.049%; no homozygotes.

Submissions (4):

Revvity Omics, Revvity
Classification: Uncertain significance. Last evaluated: 2023-09-25. Review status: criteria provided, single submitter. Criteria: ACMG Guidelines, 2015. Collection method: clinical testing. Allele origin: germline.

Labcorp Genetics (formerly Invitae), Labcorp
Classification: Uncertain significance for Charcot-Marie-Tooth disease dominant intermediate B. Last evaluated: 2023-08-30. Review status: criteria provided, single submitter. Criteria: Invitae Variant Classification Sherloc (09022015). Collection method: clinical testing. Allele origin: germline.
Comment: This variant has not been reported in the literature in individuals affected with DNM2-related conditions. ClinVar contains an entry for this variant (Variation ID: 649672). Advanced modeling of protein sequence and biophysical properties (such as structural, functional, and spatial information, amino acid conservation, physicochemical variation, residue mobility, and thermodynamic stability) has been performed at Invitae for this missense variant, however the output from this modeling did not meet the statistical confidence thresholds required to predict the impact of this variant on DNM2 protein function. In summary, the available evidence is currently insufficient to determine the role of this variant in disease. Therefore, it has been classified as a Variant of Uncertain Significance. This variant is present in population databases (rs145607989, gnomAD 0.003%). This sequence change replaces leucine, which is neutral and non-polar, with valine, which is neutral and non-polar, at codon 260 of the DNM2 protein (p.Leu260Val).

Athena Diagnostics
Classification: Uncertain significance. Last evaluated: 2023-05-18. Review status: criteria provided, single submitter. Criteria: Athena Diagnostics Criteria. Collection method: clinical testing. Allele origin: unknown.
Comment: Available data are insufficient to determine the clinical significance of the variant at this time. The frequency of this variant in the general population is uninformative in assessment of its pathogenicity. Computational tools predict that this variant is damaging.

Ambry Genetics
Classification: Uncertain significance for Inborn genetic diseases. Last evaluated: 2022-03-02. Review status: criteria provided, single submitter. Criteria: Ambry Variant Classification Scheme 2023. Collection method: clinical testing. Allele origin: germline.
Comment: The p.L260V variant (also known as c.778C>G), located in coding exon 6 of the DNM2 gene, results from a C to G substitution at nucleotide position 778. The leucine at codon 260 is replaced by valine, an amino acid with highly similar properties. This variant was identified in one individual with clinical suspicion of a mitochondrial disorder; they were also heterozygous for a missense variant in SPTBN2 (DaRe JT et al. BMC Med Genet, 2013 Nov;14:118). This amino acid position is highly conserved in available vertebrate species. In addition, the in silico prediction for this alteration is inconclusive. Since supporting evidence is limited at this time, the clinical significance of this alteration remains unclear.

Literature cited by the submitters: PubMed 24215330 (cited by Athena Diagnostics and Ambry Genetics); PubMed 28532469 (cited by Athena Diagnostics).

NM_001005361.3(DNM2):c.778C>G (p.Leu260Val)

Gene: DNM2 (dynamin 2; plus strand). Cytogenetic location: 19p13.2.
Variant type: single nucleotide variant.
Coding change: c.778C>G on transcript NM_001005361.3 (MANE Select); coding-DNA position 778, C replaced by G.
Protein change: p.Leu260Val; replaces leucine 260 with valine.
Molecular consequence: missense variant.
Genome position (GRCh38, 1-based): chr19:10,783,049, C>G. VCF-style: chr19-10783049-C-G. GRCh37 (hg19) VCF-style: chr19-10893725-C-G.
Other names: c.778C>G, p.Leu260Val (NM_001005360.3, NM_001005362.3, NM_001190716.2 and 1 more transcripts); short protein forms L260V.
Identifiers: ClinVar variation 649672 (VCV000649672.14), dbSNP rs145607989, ClinGen allele CA9200883.